The following is an entry in ClinVar:

ClinVar aggregate classification (germline): Uncertain significance (1 of 4 stars; one submission).

Submission:

GeneDx
Classification: Uncertain significance. Last evaluated: 2025-04-20. Review status: criteria provided, single submitter. Criteria: GeneDx Variant Classification Process June 2021. Collection method: clinical testing. Allele origin: germline. Affected: yes.
Comment: Not observed at significant frequency in large population cohorts (gnomAD); In silico analysis supports that this missense variant has a deleterious effect on protein structure/function; Has not been previously published as pathogenic or benign to our knowledge

NM_000038.6(APC):c.939A>C (p.Glu313Asp)

Gene: APC (APC regulator of Wnt signaling pathway; plus strand). Cytogenetic location: 5q22.2.
Variant type: single nucleotide variant.
Coding change: c.939A>C on transcript NM_000038.6 (MANE Select); coding-DNA position 939, A replaced by C.
Protein change: p.Glu313Asp; replaces glutamic acid 313 with aspartic acid.
Molecular consequence: missense variant. On other transcripts: non-coding transcript variant (2), intron variant (15).
Genome position (GRCh38, 1-based): chr5:112,818,971, A>C. VCF-style: chr5-112818971-A-C. GRCh37 (hg19) VCF-style: chr5-112154668-A-C.
Other names: c.939A>C, p.Glu313Asp (NM_001354895.2, NM_001354896.2, NM_001407447.1 and 4 more transcripts); c.969A>C, p.Glu323Asp (NM_001354897.2, NM_001407446.1); c.864A>C, p.Glu288Asp (NM_001354898.2, NM_001407451.1); c.855A>C, p.Glu285Asp (NM_001354899.2, NM_001407452.1); c.762A>C, p.Glu254Asp (NM_001354900.2, NM_001354901.2, NM_001407453.1); c.90A>C, p.Glu30Asp (NM_001354906.2, NM_001407470.1); c.85-298A>C (NM_001407472.1, NM_001407471.1); c.934-298A>C (NM_001407456.1, NM_001407460.1, NM_001407457.1 and 5 more transcripts); and 5 more; short protein forms E254D, E285D, E288D, E295D, E30D, E313D, E323D.
Identifiers: ClinVar variation 4282294 (VCV004282294.1).